The following is an entry in ClinVar:

ClinVar aggregate classification (germline): Uncertain significance (1 of 4 stars; one submission).

Allele frequency attached by ClinVar (database versions not stated): gnomAD exomes below 0.00001.

Submission:

Labcorp Genetics (formerly Invitae), Labcorp
Classification: Uncertain significance. Last evaluated: 2024-02-26. Review status: criteria provided, single submitter. Criteria: Invitae Variant Classification Sherloc (09022015). Collection method: clinical testing. Allele origin: germline.
Comment: This sequence change replaces leucine, which is neutral and non-polar, with valine, which is neutral and non-polar, at codon 308 of the GNAT2 protein (p.Leu308Val). This variant is not present in population databases (gnomAD no frequency). This variant has not been reported in the literature in individuals affected with GNAT2-related conditions. ClinVar contains an entry for this variant (Variation ID: 1714556). Advanced modeling of protein sequence and biophysical properties (such as structural, functional, and spatial information, amino acid conservation, physicochemical variation, residue mobility, and thermodynamic stability) performed at Invitae indicates that this missense variant is not expected to disrupt GNAT2 protein function with a negative predictive value of 80%. In summary, the available evidence is currently insufficient to determine the role of this variant in disease. Therefore, it has been classified as a Variant of Uncertain Significance.

NM_001377295.2(GNAT2):c.922C>G (p.Leu308Val)

Gene: GNAT2 (G protein subunit alpha transducin 2; minus strand). Cytogenetic location: 1p13.3.
Variant type: single nucleotide variant.
Coding change: c.922C>G on transcript NM_001377295.2 (MANE Select); coding-DNA position 922, C replaced by G.
Protein change: p.Leu308Val; replaces leucine 308 with valine.
Molecular consequence: missense variant.
Genome position (GRCh38, 1-based): chr1:109,603,497, G>C on the plus strand (C>G on the coding strand, the complement: GNAT2 is on the minus strand). VCF-style: chr1-109603497-G-C. GRCh37 (hg19) VCF-style: chr1-110146119-G-C.
Other names: c.922C>G, p.Leu308Val (NM_001379232.1, NM_005272.5); short protein forms L308V.
Identifiers: ClinVar variation 1714556 (VCV001714556.5), dbSNP rs2524330271, ClinGen allele CA341532553.
Genomic context (GRCh38, chr1:109,603,497, plus strand): 5'-CTGTAGCACAGGTCATGTGACTGTAGATTTCTTTGACATCTTTTCGCATATTGAGGTCAA[G>C]GAACTGGCTCTTTATGTAATTCCCCGCATCATCATAGGAGTTGTTACCTGGTTTTCCAGA-3'
Protein context (NP_001364224.1, residues 298-318): DAGNYIKSQF[Leu308Val]DLNMRKDVKE